The following is an entry in ClinVar:

ClinVar aggregate classification (germline): Uncertain significance (1 of 4 stars; one submission).

Allele frequency attached by ClinVar (database versions not stated): gnomAD 0.00008 and 0.00009; gnomAD exomes 0.00009 and 0.00020; TOPMed 0.00014; 1000 Genomes Project 0.00020; ExAC 0.00020; 1000 Genomes Project 30x 0.00031.
gnomAD v4.1: 146 of 1,548,674 alleles (0.0094%); highest among the groups gnomAD compares: Admixed American, 0.043%; no homozygotes.

Submission:

Labcorp Genetics (formerly Invitae), Labcorp
Classification: Uncertain significance. Last evaluated: 2022-10-17. Review status: criteria provided, single submitter. Criteria: Invitae Variant Classification Sherloc (09022015). Collection method: clinical testing. Allele origin: germline.
Comment: This sequence change replaces valine, which is neutral and non-polar, with isoleucine, which is neutral and non-polar, at codon 1101 of the OTOG protein (p.Val1101Ile). This variant is present in population databases (rs528406185, gnomAD 0.06%). This variant has not been reported in the literature in individuals affected with OTOG-related conditions. ClinVar contains an entry for this variant (Variation ID: 1436323). Algorithms developed to predict the effect of missense changes on protein structure and function output the following: SIFT: "Tolerated"; PolyPhen-2: "Benign"; Align-GVGD: "Class C0". The isoleucine amino acid residue is found in multiple mammalian species, which suggests that this missense change does not adversely affect protein function. In summary, the available evidence is currently insufficient to determine the role of this variant in disease. Therefore, it has been classified as a Variant of Uncertain Significance.

NM_001292063.2(OTOG):c.3265G>A (p.Val1089Ile)

Gene: OTOG (otogelin; plus strand). Cytogenetic location: 11p15.1.
Variant type: single nucleotide variant.
Coding change: c.3265G>A on transcript NM_001292063.2 (MANE Select); coding-DNA position 3265, G replaced by A.
Protein change: p.Val1089Ile; replaces valine 1089 with isoleucine.
Molecular consequence: missense variant.
Genome position (GRCh38, 1-based): chr11:17,593,733, G>A. VCF-style: chr11-17593733-G-A. GRCh37 (hg19) VCF-style: chr11-17615280-G-A.
Other names: c.3301G>A, p.Val1101Ile (NM_001277269.2); short protein forms V1089I, V1101I.
Identifiers: ClinVar variation 1436323 (VCV001436323.5), dbSNP rs528406185, ClinGen allele CA5905715.